The following is an entry in ClinVar:

NM_021813.4(BACH2):c.1336C>T (p.His446Tyr)

Gene: BACH2 (BACH transcriptional regulator 2; minus strand). Cytogenetic location: 6q15.
Variant type: single nucleotide variant.
Coding change: c.1336C>T on transcript NM_021813.4 (MANE Select); coding-DNA position 1336, C replaced by T.
Protein change: p.His446Tyr; replaces histidine 446 with tyrosine.
Molecular consequence: missense variant.
Genome position (GRCh38, 1-based): chr6:89,950,770, G>A on the plus strand (C>T on the coding strand, the complement: BACH2 is on the minus strand). VCF-style: chr6-89950770-G-A. GRCh37 (hg19) VCF-style: chr6-90660489-G-A.
Other names: c.1336C>T, p.His446Tyr (NM_001170794.2); short protein forms H446Y.
Identifiers: ClinVar variation 3656785 (VCV003656785.2).

ClinVar aggregate classification (germline): Uncertain significance (1 of 4 stars; one submission).

Submission:

Labcorp Genetics (formerly Invitae), Labcorp
Classification: Uncertain significance. Last evaluated: 2024-06-16. Review status: criteria provided, single submitter. Criteria: Invitae Variant Classification Sherloc (09022015). Collection method: clinical testing. Allele origin: germline.
Comment: This sequence change replaces histidine, which is basic and polar, with tyrosine, which is neutral and polar, at codon 446 of the BACH2 protein (p.His446Tyr). This variant is not present in population databases (gnomAD no frequency). This variant has not been reported in the literature in individuals affected with BACH2-related conditions. Advanced modeling of protein sequence and biophysical properties (such as structural, functional, and spatial information, amino acid conservation, physicochemical variation, residue mobility, and thermodynamic stability) performed at Invitae indicates that this missense variant is not expected to disrupt BACH2 protein function with a negative predictive value of 80%. In summary, the available evidence is currently insufficient to determine the role of this variant in disease. Therefore, it has been classified as a Variant of Uncertain Significance.